The following is an entry in ClinVar:

NM_001371279.1(REEP1):c.373G>A (p.Gly125Ser)

Gene: REEP1 (receptor accessory protein 1; minus strand). Cytogenetic location: 2p11.2.
Variant type: single nucleotide variant.
Coding change: c.373G>A on transcript NM_001371279.1 (MANE Select); coding-DNA position 373, G replaced by A.
Protein change: p.Gly125Ser; replaces glycine 125 with serine.
Molecular consequence: missense variant. On other transcripts: intron variant (1).
Genome position (GRCh38, 1-based): chr2:86,252,001, C>T on the plus strand (G>A on the coding strand, the complement: REEP1 is on the minus strand). VCF-style: chr2-86252001-C-T. GRCh37 (hg19) VCF-style: chr2-86479124-C-T.
Other names: c.394G>A, p.Gly132Ser (NM_001164730.2); c.292G>A, p.Gly98Ser (NM_001164731.2); c.373G>A, p.Gly125Ser (NM_001371280.1, NM_022912.3); c.182+11964G>A (NM_001164732.2); short protein forms G125S, G132S, G98S.
Identifiers: ClinVar variation 566687 (VCV000566687.8), dbSNP rs1375850288, ClinGen allele CA347716016.

ClinVar aggregate classification (germline): Uncertain significance (1 of 4 stars; one submission).

Conditions:
Hereditary spastic paraplegia 31. Also called: SPASTIC PARAPLEGIA 31, AUTOSOMAL DOMINANT. Identifiers: Orphanet 101011, MedGen C1853247, MONDO:0012453, OMIM 610250.

Allele frequency attached by ClinVar (database versions not stated): gnomAD exomes below 0.00001; TOPMed below 0.00001.
gnomAD v4.1: 2 of 1,614,078 alleles (0.00012%); highest among the groups gnomAD compares: Non-Finnish European, 0.00017%; no homozygotes.

Submission:

Labcorp Genetics (formerly Invitae), Labcorp
Classification: Uncertain significance for Hereditary spastic paraplegia 31. Last evaluated: 2025-03-26. Review status: criteria provided, single submitter. Criteria: Invitae Variant Classification Sherloc (09022015). Collection method: clinical testing. Allele origin: germline.
Comment: This sequence change replaces glycine, which is neutral and non-polar, with serine, which is neutral and polar, at codon 125 of the REEP1 protein (p.Gly125Ser). This variant is not present in population databases (gnomAD no frequency). This variant has not been reported in the literature in individuals affected with REEP1-related conditions. ClinVar contains an entry for this variant (Variation ID: 566687). An algorithm developed to predict the effect of missense changes on protein structure and function (PolyPhen-2) suggests that this variant is likely to be disruptive. In summary, the available evidence is currently insufficient to determine the role of this variant in disease. Therefore, it has been classified as a Variant of Uncertain Significance.